The following is an entry in ClinVar:

NM_020778.5(ALPK3):c.658C>T (p.Arg220Cys)

Gene: ALPK3 (alpha kinase 3; plus strand). Cytogenetic location: 15q25.3.
Variant type: single nucleotide variant.
Coding change: c.658C>T on transcript NM_020778.5 (MANE Select); coding-DNA position 658, C replaced by T.
Protein change: p.Arg220Cys; replaces arginine 220 with cysteine.
Molecular consequence: missense variant.
Genome position (GRCh38, 1-based): chr15:84,839,937, C>T. VCF-style: chr15-84839937-C-T. GRCh37 (hg19) VCF-style: chr15-85383168-C-T.
Other names: c.1264C>T (NM_020778.4); short protein forms R220C.
Identifiers: ClinVar variation 1710585 (VCV001710585.6), dbSNP rs763842374, ClinGen allele CA7709032.

ClinVar aggregate classification (germline): Uncertain significance. Review status: criteria provided, multiple submitters, no conflicts (2 of 4 stars). 4 submissions from 4 submitters: Uncertain significance (4). Last evaluated 2025-10-21.

Conditions:
Cardiovascular phenotype. Identifiers: MedGen CN230736.

Allele frequency attached by ClinVar (database versions not stated): ExAC 0.00001; gnomAD 0.00001; TOPMed 0.00001.
gnomAD v4.1: 9 of 1,613,556 alleles (0.00056%); highest among the groups gnomAD compares: Non-Finnish European, 0.00076%; no homozygotes.

Submissions (4):

Labcorp Genetics (formerly Invitae), Labcorp
Classification: Uncertain significance. Last evaluated: 2025-10-21. Review status: criteria provided, single submitter. Criteria: Invitae Variant Classification Sherloc (09022015). Collection method: clinical testing. Allele origin: germline.
Comment: This sequence change replaces arginine, which is basic and polar, with cysteine, which is neutral and slightly polar, at codon 422 of the ALPK3 protein (p.Arg422Cys). This variant is present in population databases (rs763842374, gnomAD 0.0009%). This variant has not been reported in the literature in individuals affected with ALPK3-related conditions. ClinVar contains an entry for this variant (Variation ID: 1710585). Invitae Evidence Modeling of protein sequence and biophysical properties (such as structural, functional, and spatial information, amino acid conservation, physicochemical variation, residue mobility, and thermodynamic stability) indicates that this missense variant is expected to disrupt ALPK3 protein function with a positive predictive value of 80%. In summary, the available evidence is currently insufficient to determine the role of this variant in disease. Therefore, it has been classified as a Variant of Uncertain Significance.

Blueprint Genetics
Classification: Uncertain significance. Last evaluated: 2024-01-08. Review status: criteria provided, single submitter. Criteria: ACMG Guidelines, 2015. Collection method: clinical testing. Allele origin: germline.

Ambry Genetics
Classification: Uncertain significance for Cardiovascular phenotype. Last evaluated: 2022-12-27. Review status: criteria provided, single submitter. Criteria: Ambry Variant Classification Scheme 2023. Collection method: clinical testing. Allele origin: germline.
Comment: The p.R422C variant (also known as c.1264C>T), located in coding exon 5 of the ALPK3 gene, results from a C to T substitution at nucleotide position 1264. The arginine at codon 422 is replaced by cysteine, an amino acid with highly dissimilar properties. This amino acid position is highly conserved in available vertebrate species. In addition, the in silico prediction for this alteration is inconclusive. Since supporting evidence is limited at this time, the clinical significance of this alteration remains unclear.

GeneDx
Classification: Uncertain significance. Last evaluated: 2022-04-11. Review status: criteria provided, single submitter. Criteria: GeneDx Variant Classification Process June 2021. Collection method: clinical testing. Allele origin: germline. Affected: yes.
Comment: Has not been previously published as pathogenic or benign to our knowledge; Not observed at significant frequency in large population cohorts (gnomAD); In silico analysis supports that this missense variant has a deleterious effect on protein structure/function